The following is an entry in ClinVar:

NM_001346249.2(RALGAPA1):c.7005A>G (p.Thr2335=)

Gene: RALGAPA1 (Ral GTPase activating protein catalytic subunit alpha 1; minus strand). Cytogenetic location: 14q13.2.
Variant type: single nucleotide variant.
Coding change: c.7005A>G on transcript NM_001346249.2 (MANE Select); coding-DNA position 7005, A replaced by G.
Protein change: p.Thr2335=; no amino-acid change (threonine 2335 retained).
Molecular consequence: synonymous variant.
Genome position (GRCh38, 1-based): chr14:35,605,634, T>C on the plus strand (A>G on the coding strand, the complement: RALGAPA1 is on the minus strand). VCF-style: chr14-35605634-T-C. GRCh37 (hg19) VCF-style: chr14-36074840-T-C.
Other names: p.Thr1829=; c.5526A>G, p.Thr1842= (NM_001283043.3); c.5628A>G, p.Thr1876= (NM_001283044.3, NM_001346245.2, NM_001346247.2); c.6864A>G, p.Thr2288= (NM_001330075.3, NM_001346248.2); c.5487A>G, p.Thr1829= (NM_001346243.2, NM_001346246.2, NM_014990.3 and 1 more transcripts).
Identifiers: ClinVar variation 775102 (VCV000775102.38), dbSNP rs45615938, ClinGen allele CA7156165.

ClinVar aggregate classification (germline): Benign/Likely benign. Review status: criteria provided, multiple submitters, no conflicts (2 of 4 stars). 3 submissions from 3 submitters: Benign (1); Likely benign (2). Last evaluated 2026-02-01.

Allele frequency attached by ClinVar (database versions not stated): 1000 Genomes Project 0.00040; 1000 Genomes Project 30x 0.00047; gnomAD 0.00112; ESP Exome Variant Server 0.00131; TOPMed 0.00135.
gnomAD v4.1: 2,817 of 1,610,418 alleles (0.17%); highest among the groups gnomAD compares: Non-Finnish European, 0.21%; 8 homozygotes.

Submissions (3):

CeGaT Center for Human Genetics Tuebingen
Classification: Likely benign. Last evaluated: 2026-02-01. Review status: criteria provided, single submitter. Criteria: CeGaT Center For Human Genetics Tuebingen Variant Classification Criteria Version 2. Collection method: clinical testing. Allele origin: germline. Affected: yes. Observed: 11 variant alleles.
Comment: RALGAPA1: BP4, BP7

Mayo Clinic Laboratories, Mayo Clinic
Classification: Likely benign. Last evaluated: 2025-01-20. Review status: criteria provided, single submitter. Criteria: ACMG Guidelines, 2015. Collection method: clinical testing. Allele origin: germline. Observed: 2 variant alleles.
Comment: BS2, BP4, BP7

Labcorp Genetics (formerly Invitae), Labcorp
Classification: Benign. Last evaluated: 2018-07-27. Review status: criteria provided, single submitter. Criteria: Invitae Variant Classification Sherloc (09022015). Collection method: clinical testing. Allele origin: germline.